The following is an entry in ClinVar:

ClinVar aggregate classification (germline): Uncertain significance (1 of 4 stars; one submission).

Conditions:
Thrombomodulin-related bleeding disorder (THPH12). Also called: Thrombophilia due to thrombomodulin defect. Identifiers: Orphanet 436169, MedGen C3280976, MONDO:0013775, OMIM 614486.

Submission:

Genomenon, Inc
Classification: Uncertain significance for Thrombomodulin-related bleeding disorder. Last evaluated: 2026-09-17. Review status: criteria provided, single submitter. Criteria: Genomenon Sequence Variant Interpretation Standards - Updated. Collection method: curation. Allele origin: germline. Affected: no.
Comment: THBD p.Asp418ThrfsTer88 (c.1252del) is a frameshift variant that is predicted to introduce a premature termination codon and result in a truncated or absent protein product. This variant has been reported in the published literature (PMID:37567446). It is absent or not present at a significant frequency in gnomAD. In conclusion, we classify THBD p.Asp418ThrfsTer88 (c.1252del) as a variant of uncertain significance.

Literature cited by the submitters: PubMed 37567446.

NM_000361.3(THBD):c.1252del (p.Asp418fs)

Gene: THBD (thrombomodulin; minus strand). Cytogenetic location: 20p11.21.
Variant type: Deletion.
Coding change: c.1252del on transcript NM_000361.3 (MANE Select); coding-DNA position 1252, one base deleted (G; older notation c.1252delG).
Protein change: p.Asp418fs; shifts the reading frame from aspartic acid 418.
Molecular consequence: frameshift variant.
Genome position (GRCh38, 1-based): chr20:23,048,253, C deleted on the plus strand (G on the coding strand, the reverse complement: THBD is on the minus strand). VCF-style (leftmost placement, unchanged base first): chr20-23048252-TC-T. GRCh37 (hg19) VCF-style: chr20-23028889-TC-T.
Other names: short protein forms D418fs.
Identifiers: ClinVar variation 4976839 (VCV004976839.1).